The following is an entry in ClinVar:

NM_006031.6(PCNT):c.8318A>G (p.Gln2773Arg)

Gene: PCNT (pericentrin; plus strand). Cytogenetic location: 21q22.3.
Variant type: single nucleotide variant.
Coding change: c.8318A>G on transcript NM_006031.6 (MANE Select); coding-DNA position 8318, A replaced by G.
Protein change: p.Gln2773Arg; replaces glutamine 2773 with arginine.
Molecular consequence: missense variant.
Genome position (GRCh38, 1-based): chr21:46,431,782, A>G. VCF-style: chr21-46431782-A-G. GRCh37 (hg19) VCF-style: chr21-47851696-A-G.
Other names: c.7964A>G, p.Gln2655Arg (NM_001315529.2); short protein forms Q2773R, Q2655R.
Identifiers: ClinVar variation 4981265 (VCV004981265.1).

ClinVar aggregate classification (germline): Uncertain significance (1 of 4 stars; one submission).

Conditions:
PCNT-related disorder. Also called: PCNT-related condition.

gnomAD v4.1: 5 of 1,613,232 alleles (0.00031%); highest among the groups gnomAD compares: Admixed American, 0.0017%; no homozygotes.

Submission:

PreventionGenetics, part of Exact Sciences
Classification: Uncertain significance for PCNT-related condition. Last evaluated: 2024-11-12. Review status: criteria provided, single submitter. Criteria: ACMG Guidelines, 2015. Collection method: clinical testing. Allele origin: germline.
Comment: The PCNT c.8318A>G variant is predicted to result in the amino acid substitution p.Gln2773Arg. To our knowledge, this variant has not been reported in the literature. This variant is reported in 0.00088% of alleles in individuals of European (Non-Finnish) descent in gnomAD. At this time, the clinical significance of this variant is uncertain due to the absence of conclusive functional and genetic evidence.